The following is an entry in ClinVar:

NM_020117.11(LARS1):c.661C>T (p.Gln221Ter)

Gene: LARS1 (leucyl-tRNA synthetase 1; minus strand). Cytogenetic location: 5q32.
Variant type: single nucleotide variant.
Coding change: c.661C>T on transcript NM_020117.11 (MANE Select); coding-DNA position 661, C replaced by T.
Protein change: p.Gln221Ter; replaces glutamine 221 with a stop codon.
Molecular consequence: nonsense.
Genome position (GRCh38, 1-based): chr5:146,160,420, G>A on the plus strand (C>T on the coding strand, the complement: LARS1 is on the minus strand). VCF-style: chr5-146160420-G-A. GRCh37 (hg19) VCF-style: chr5-145539983-G-A.
Other names: c.523C>T, p.Gln175Ter (NM_001317964.2); c.499C>T, p.Gln167Ter (NM_001317965.2); c.580C>T, p.Gln194Ter (NM_016460.4); short protein forms Q167*, Q175*, Q194*, Q221*.
Identifiers: ClinVar variation 1722447 (VCV001722447.1), dbSNP rs2532935153, ClinGen allele CA361613974.

ClinVar aggregate classification (germline): Likely pathogenic (1 of 4 stars; one submission).

Conditions:
Acute infantile liver failure due to synthesis defect of mtDNA-encoded proteins. Also called: LIVER FAILURE, INFANTILE, TRANSIENT; Liver failure acute infantile; TRMU Deficiency. Identifiers: Orphanet 217371, MedGen C3278664, MONDO:0013111, OMIM 613070.

Submission:

Women's Health and Genetics/Laboratory Corporation of America, LabCorp
Classification: Likely pathogenic for Acute infantile liver failure due to synthesis defect of mtDNA-encoded proteins. Last evaluated: 2022-09-22. Review status: criteria provided, single submitter. Criteria: LabCorp Variant Classification Summary - May 2015. Collection method: clinical testing. Allele origin: germline.
Comment: Variant summary: LARS c.661C>T (p.Gln221X) results in a premature termination codon, predicted to cause a truncation of the encoded protein or absence of the protein due to nonsense mediated decay, which are commonly known mechanisms for disease. Truncations downstream of this position have been classified as pathogenic within ClinVar (e.g. c.3313C>T [p.Arg1105Ter]). The variant was absent in 225680 control chromosomes (gnomAD). To our knowledge, no occurrence of c.661C>T in individuals affected with Liver Failure Acute Infantile, Type 1 and no experimental evidence demonstrating its impact on protein function have been reported. No clinical diagnostic laboratories have submitted clinical-significance assessments for this variant to ClinVar after 2014. Based on the evidence outlined above, the variant was classified as likely pathogenic.